The following is an entry in ClinVar:

NM_001184.4(ATR):c.3556G>T (p.Asp1186Tyr)

Gene: ATR (ATR checkpoint kinase; minus strand). Cytogenetic location: 3q23.
Variant type: single nucleotide variant.
Coding change: c.3556G>T on transcript NM_001184.4 (MANE Select); coding-DNA position 3556, G replaced by T.
Protein change: p.Asp1186Tyr; replaces aspartic acid 1186 with tyrosine.
Molecular consequence: missense variant.
Genome position (GRCh38, 1-based): chr3:142,540,929, C>A on the plus strand (G>T on the coding strand, the complement: ATR is on the minus strand). VCF-style: chr3-142540929-C-A. GRCh37 (hg19) VCF-style: chr3-142259771-C-A.
Other names: c.3364G>T, p.Asp1122Tyr (NM_001354579.2); short protein forms D1122Y, D1186Y.
Identifiers: ClinVar variation 1732635 (VCV001732635.3), dbSNP rs1475055423, ClinGen allele CA354807746.

ClinVar aggregate classification (germline): Uncertain significance (1 of 4 stars; one submission).

Conditions:
Inborn genetic diseases. Identifiers: MedGen C0950123, MeSH D030342.

Submission:

Ambry Genetics
Classification: Uncertain significance for Inborn genetic diseases. Last evaluated: 2024-04-18. Review status: criteria provided, single submitter. Criteria: Ambry Variant Classification Scheme 2023. Collection method: clinical testing. Allele origin: germline.
Comment: The p.D1186Y variant (also known as c.3556G>T), located in coding exon 18 of the ATR gene, results from a G to T substitution at nucleotide position 3556. The aspartic acid at codon 1186 is replaced by tyrosine, an amino acid with highly dissimilar properties. This amino acid position is conserved. In addition, the in silico prediction for this alteration is inconclusive. Since supporting evidence is limited at this time, the clinical significance of this alteration remains unclear.